The following is an entry in ClinVar:

NM_000540.3(RYR1):c.4656C>T (p.Phe1552=)

Gene: RYR1 (ryanodine receptor 1; plus strand). Cytogenetic location: 19q13.2.
Variant type: single nucleotide variant.
Coding change: c.4656C>T on transcript NM_000540.3 (MANE Select); coding-DNA position 4656, C replaced by T.
Protein change: p.Phe1552=; no amino-acid change (phenylalanine 1552 retained).
Molecular consequence: synonymous variant.
Genome position (GRCh38, 1-based): chr19:38,483,062, C>T. VCF-style: chr19-38483062-C-T. GRCh37 (hg19) VCF-style: chr19-38973702-C-T.
Other names: c.4656C>T, p.Phe1552= (NM_001042723.2).
Identifiers: ClinVar variation 1545745 (VCV001545745.9), dbSNP rs1401779403, ClinGen allele CA507237800.

ClinVar aggregate classification (germline): Likely benign. Review status: criteria provided, multiple submitters, no conflicts (2 of 4 stars). 3 submissions from 3 submitters: Likely benign (3). Last evaluated 2024-02-05.

Conditions:
RYR1-related disorder. Also called: RYR1-related condition; RYR1-related disorders. Identifiers: MedGen CN239331.
Malignant hyperthermia, susceptibility to, 1 (MHS1). Also called: RYR1-Related Malignant Hyperthermia Susceptibility; Anesthesia related hyperthermia; Malignant hyperpyrexia; Fulminating hyperpyrexia; Pharmacogenic myopathy; Malignant hyperthermia suceptibility 1. Identifiers: Orphanet 423, MedGen C2930980, MONDO:0007783, OMIM 145600.

gnomAD v4.1: 13 of 1,614,132 alleles (0.00081%); highest among the groups gnomAD compares: African/African-American, 0.0013%; no homozygotes.

Submissions (3):

All of Us Research Program, National Institutes of Health
Classification: Likely benign for Malignant hyperthermia, susceptibility to, 1. Last evaluated: 2024-02-05. Review status: criteria provided, single submitter. Criteria: ACMG Guidelines, 2015. Collection method: clinical testing. Allele origin: germline. Inheritance: Autosomal dominant inheritance. Observed: 1 variant allele, 1 heterozygote.
Comment: This study involves interpretation of variants in research participants for the purpose of population health screening. Participant phenotype was not available at the time of variant classification. Additional details can be found in publication PMID: 35346344, PMCID: PMC8962531

Color Diagnostics, LLC DBA Color Health
Classification: Likely benign for Malignant hyperthermia, susceptibility to, 1. Last evaluated: 2024-01-25. Review status: criteria provided, single submitter. Criteria: ACMG Guidelines, 2015. Collection method: clinical testing. Allele origin: germline.

Labcorp Genetics (formerly Invitae), Labcorp
Classification: Likely benign for RYR1-related disorder. Last evaluated: 2023-02-13. Review status: criteria provided, single submitter. Criteria: Invitae Variant Classification Sherloc (09022015). Collection method: clinical testing. Allele origin: germline.